The following is an entry in ClinVar:

NM_006348.5(COG5):c.590A>T (p.Asp197Val)

Gene: COG5 (component of oligomeric golgi complex 5; minus strand). Cytogenetic location: 7q22.3.
Variant type: single nucleotide variant.
Coding change: c.590A>T on transcript NM_006348.5 (MANE Select); coding-DNA position 590, A replaced by T.
Protein change: p.Asp197Val; replaces aspartic acid 197 with valine.
Molecular consequence: missense variant. On other transcripts: intron variant (2).
Genome position (GRCh38, 1-based): chr7:107,412,581, T>A on the plus strand (A>T on the coding strand, the complement: COG5 is on the minus strand). VCF-style: chr7-107412581-T-A. GRCh37 (hg19) VCF-style: chr7-107053026-T-A.
Other names: c.590A>T, p.Asp197Val (NM_001161520.2, NM_001379511.1, NM_001379512.1 and 3 more transcripts); c.235-50471A>T (NM_001379516.1); c.539-114235A>T (NM_001379515.1); short protein forms D197V.
Identifiers: ClinVar variation 2995045 (VCV002995045.3), dbSNP rs759620888, ClinGen allele CA368938986.

ClinVar aggregate classification (germline): Uncertain significance (1 of 4 stars; one submission).

Conditions:
COG5-congenital disorder of glycosylation. Also called: COG5-CDG; CDG IIi; CONGENITAL DISORDER OF GLYCOSYLATION, TYPE IIi. Identifiers: Orphanet 263487, MedGen C3150876, MONDO:0013325, OMIM 613612.

gnomAD v4.1: 1 of 1,594,366 alleles (0.000063%); highest among the groups gnomAD compares: South Asian, 0.0011%; no homozygotes.

Submission:

Labcorp Genetics (formerly Invitae), Labcorp
Classification: Uncertain significance for COG5-congenital disorder of glycosylation. Last evaluated: 2023-12-13. Review status: criteria provided, single submitter. Criteria: Invitae Variant Classification Sherloc (09022015). Collection method: clinical testing. Allele origin: germline.
Comment: This sequence change replaces aspartic acid, which is acidic and polar, with valine, which is neutral and non-polar, at codon 228 of the COG5 protein (p.Asp228Val). This variant is present in population databases (no rsID available, gnomAD 0.003%). This variant has not been reported in the literature in individuals affected with COG5-related conditions. An algorithm developed to predict the effect of missense changes on protein structure and function (PolyPhen-2) suggests that this variant is likely to be disruptive. In summary, the available evidence is currently insufficient to determine the role of this variant in disease. Therefore, it has been classified as a Variant of Uncertain Significance.